The following is an entry in ClinVar:

ClinVar aggregate classification (germline): Uncertain significance. Review status: criteria provided, multiple submitters, no conflicts (2 of 4 stars). 3 submissions from 3 submitters: Uncertain significance (3). Last evaluated 2024-06-17.

Conditions:
Inborn genetic diseases. Identifiers: MedGen C0950123, MeSH D030342.

Allele frequency attached by ClinVar (database versions not stated): gnomAD exomes 0.00001; ExAC 0.00007; ESP Exome Variant Server 0.00008; TOPMed 0.00010; gnomAD 0.00014.
gnomAD v4.1: 28 of 1,612,784 alleles (0.0017%); highest among the groups gnomAD compares: African/African-American, 0.027%; no homozygotes.

Submissions (3):

GeneDx
Classification: Uncertain significance. Last evaluated: 2024-06-17. Review status: criteria provided, single submitter. Criteria: GeneDx Variant Classification Process June 2021. Collection method: clinical testing. Allele origin: germline. Affected: yes.
Comment: In silico analysis indicates that this missense variant does not alter protein structure/function; Has not been previously published as pathogenic or benign to our knowledge

Ambry Genetics
Classification: Uncertain significance for Inborn genetic diseases. Last evaluated: 2022-01-03. Review status: criteria provided, single submitter. Criteria: Ambry Variant Classification Scheme 2023. Collection method: clinical testing. Allele origin: germline.

Blueprint Genetics
Classification: Uncertain significance. Last evaluated: 2020-10-16. Review status: criteria provided, single submitter. Criteria: ACMG Guidelines, 2015. Collection method: clinical testing. Allele origin: germline.

NM_016343.4(CENPF):c.5407G>A (p.Glu1803Lys)

Gene: CENPF (centromere protein F; plus strand). Cytogenetic location: 1q41.
Variant type: single nucleotide variant.
Coding change: c.5407G>A on transcript NM_016343.4 (MANE Select); coding-DNA position 5407, G replaced by A.
Protein change: p.Glu1803Lys; replaces glutamic acid 1803 with lysine.
Molecular consequence: missense variant.
Genome position (GRCh38, 1-based): chr1:214,644,977, G>A. VCF-style: chr1-214644977-G-A. GRCh37 (hg19) VCF-style: chr1-214818320-G-A.
Other names: short protein forms E1803K.
Identifiers: ClinVar variation 2297542 (VCV002297542.4), dbSNP rs373138290, ClinGen allele CA1390786.